The following is an entry in ClinVar:

ClinVar aggregate classification (germline): Uncertain significance (1 of 4 stars; one submission).

Submission:

Labcorp Genetics (formerly Invitae), Labcorp
Classification: Uncertain significance. Last evaluated: 2025-08-29. Review status: criteria provided, single submitter. Criteria: Invitae Variant Classification Sherloc (09022015). Collection method: clinical testing. Allele origin: germline.
Comment: This sequence change replaces proline, which is neutral and non-polar, with glutamine, which is neutral and polar, at codon 137 of the LRRC10 protein (p.Pro137Gln). This variant is present in population databases (rs148806029, gnomAD 0.003%). This variant has not been reported in the literature in individuals affected with LRRC10-related conditions. An algorithm developed to predict the effect of missense changes on protein structure and function (PolyPhen-2) suggests that this variant is likely to be disruptive. In summary, the available evidence is currently insufficient to determine the role of this variant in disease. Therefore, it has been classified as a Variant of Uncertain Significance.

NM_201550.4(LRRC10):c.410C>A (p.Pro137Gln)

Gene: LRRC10 (leucine rich repeat containing 10; minus strand). Cytogenetic location: 12q15.
Variant type: single nucleotide variant.
Coding change: c.410C>A on transcript NM_201550.4 (MANE Select); coding-DNA position 410, C replaced by A.
Protein change: p.Pro137Gln; replaces proline 137 with glutamine.
Molecular consequence: missense variant.
Genome position (GRCh38, 1-based): chr12:69,610,429, G>T on the plus strand (C>A on the coding strand, the complement: LRRC10 is on the minus strand). VCF-style: chr12-69610429-G-T. GRCh37 (hg19) VCF-style: chr12-70004209-G-T.
Other names: short protein forms P137Q.
Identifiers: ClinVar variation 4791302 (VCV004791302.1).
Genomic context (GRCh38, chr12:69,610,429, plus strand): 5'-CGCAGGGCGTTGGAGCCGGCATGCAGAGTCTTAAGGAGACTCAGCTCACAGACCACATCC[G>T]GCAGCTGGGTGAGGCAGTTGGCCTCGATCCACAGGGTCCTGAGGTTCTGGAGCAGGCTCA-3'
Protein context (NP_963844.2, residues 127-147): WIEANCLTQL[Pro137Gln]DVVCELSLLK